The following is an entry in ClinVar:

NM_177550.5(SLC13A5):c.496A>G (p.Thr166Ala)

Gene: SLC13A5 (solute carrier family 13 member 5; minus strand). Cytogenetic location: 17p13.1.
Variant type: single nucleotide variant.
Coding change: c.496A>G on transcript NM_177550.5 (MANE Select); coding-DNA position 496, A replaced by G.
Protein change: p.Thr166Ala; replaces threonine 166 with alanine.
Molecular consequence: missense variant.
Genome position (GRCh38, 1-based): chr17:6,703,929, T>C on the plus strand (A>G on the coding strand, the complement: SLC13A5 is on the minus strand). VCF-style: chr17-6703929-T-C. GRCh37 (hg19) VCF-style: chr17-6607248-T-C.
Other names: c.496A>G, p.Thr166Ala (NM_001143838.3); c.445A>G, p.Thr149Ala (NM_001284509.2); c.367A>G, p.Thr123Ala (NM_001284510.2); short protein forms T149A, T166A, T123A.
Identifiers: ClinVar variation 1043572 (VCV001043572.9), dbSNP rs1415995914, ClinGen allele CA397750006.

ClinVar aggregate classification (germline): Uncertain significance (1 of 4 stars; one submission).

Conditions:
Developmental and epileptic encephalopathy, 25 (DEE25). Also called: Epileptic encephalopathy, early infantile, 25; Developmental and epileptic encephalopathy 25, with amelogenesis imperfecta; Epileptic encephalopathy, early infantile, 25, with amelogenesis imperfecta. Identifiers: Orphanet 442835, MedGen C4014621, MONDO:0014392, OMIM 615905.

Allele frequency attached by ClinVar (database versions not stated): gnomAD exomes below 0.00001; gnomAD 0.00001; TOPMed 0.00002.
gnomAD v4.1: 2 of 1,600,068 alleles (0.00012%); highest among the groups gnomAD compares: Non-Finnish European, 0.00017%; no homozygotes.

Submission:

Labcorp Genetics (formerly Invitae), Labcorp
Classification: Uncertain significance for Developmental and epileptic encephalopathy, 25. Last evaluated: 2023-04-24. Review status: criteria provided, single submitter. Criteria: Invitae Variant Classification Sherloc (09022015). Collection method: clinical testing. Allele origin: germline.
Comment: ClinVar contains an entry for this variant (Variation ID: 1043572). In summary, the available evidence is currently insufficient to determine the role of this variant in disease. Therefore, it has been classified as a Variant of Uncertain Significance. Algorithms developed to predict the effect of missense changes on protein structure and function output the following: SIFT: "Not Available"; PolyPhen-2: "Benign"; Align-GVGD: "Not Available". The alanine amino acid residue is found in multiple mammalian species, which suggests that this missense change does not adversely affect protein function. This variant has not been reported in the literature in individuals affected with SLC13A5-related conditions. This variant is present in population databases (no rsID available, gnomAD 0.007%). This sequence change replaces threonine, which is neutral and polar, with alanine, which is neutral and non-polar, at codon 166 of the SLC13A5 protein (p.Thr166Ala).